The following is an entry in ClinVar:

NM_001322934.2(NFKB2):c.892A>T (p.Lys298Ter)

Gene: NFKB2 (nuclear factor kappa B subunit 2; plus strand). Cytogenetic location: 10q24.32.
Variant type: single nucleotide variant.
Coding change: c.892A>T on transcript NM_001322934.2 (MANE Select); coding-DNA position 892, A replaced by T.
Protein change: p.Lys298Ter; replaces lysine 298 with a stop codon.
Molecular consequence: nonsense.
Genome position (GRCh38, 1-based): chr10:102,398,424, A>T. VCF-style: chr10-102398424-A-T. GRCh37 (hg19) VCF-style: chr10-104158181-A-T.
Other names: c.892A>T, p.Lys298Ter (NM_001077494.3, NM_001261403.3, NM_001288724.1 and 2 more transcripts); short protein forms K298*.
Identifiers: ClinVar variation 1015809 (VCV001015809.6), dbSNP rs2061155044, ClinGen allele CA377897773.

ClinVar aggregate classification (germline): Uncertain significance (1 of 4 stars; one submission).

Conditions:
Immunodeficiency, common variable, 10. Also called: IMMUNODEFICIENCY, COMMON VARIABLE, WITH CENTRAL ADRENAL INSUFFICIENCY; DEFICIT IN ANTERIOR PITUITARY FUNCTION AND VARIABLE IMMUNODEFICIENCY. Identifiers: MedGen C3809991, MONDO:0014260, OMIM 615577.

Submission:

Labcorp Genetics (formerly Invitae), Labcorp
Classification: Uncertain significance for Immunodeficiency, common variable, 10. Last evaluated: 2020-06-04. Review status: criteria provided, single submitter. Criteria: Invitae Variant Classification Sherloc (09022015). Collection method: clinical testing. Allele origin: germline.
Comment: This sequence change creates a premature translational stop signal (p.Lys298*) in the NFKB2 gene. It is expected to result in an absent or disrupted protein product. This variant is not present in population databases (ExAC no frequency). This variant has not been reported in the literature in individuals with NFKB2-related conditions. The current clinical and genetic evidence is not sufficient to establish whether loss-of-function variants in NFKB2 cause disease. In summary, the available evidence is currently insufficient to determine the role of this variant in disease. Therefore, it has been classified as a Variant of Uncertain Significance.